The following is an entry in ClinVar:

ClinVar aggregate classification (germline): Uncertain significance. Review status: criteria provided, multiple submitters, no conflicts (2 of 4 stars). 2 submissions from 2 submitters: Uncertain significance (2). Last evaluated 2020-04-01.

Conditions:
Primary ciliary dyskinesia. Also called: Ciliary dyskinesia. Identifiers: Orphanet 244, MedGen C0008780, MONDO:0016575, HP:0012265.

Allele frequency attached by ClinVar (database versions not stated): gnomAD exomes 0.00001.
gnomAD v4.1: 3 of 1,613,652 alleles (0.00019%); highest among the groups gnomAD compares: Middle Eastern, 0.049%; no homozygotes.

Submissions (2):

CeGaT Center for Human Genetics Tuebingen
Classification: Uncertain significance. Last evaluated: 2020-04-01. Review status: criteria provided, single submitter. Criteria: CeGaT Center For Human Genetics Tuebingen Variant Classification Criteria Version 2. Collection method: clinical testing. Allele origin: germline. Affected: yes. Observed: 1 variant allele.

Labcorp Genetics (formerly Invitae), Labcorp
Classification: Uncertain significance for Primary ciliary dyskinesia. Last evaluated: 2019-01-29. Review status: criteria provided, single submitter. Criteria: Invitae Variant Classification Sherloc (09022015). Collection method: clinical testing. Allele origin: germline.
Comment: This sequence change replaces lysine with asparagine at codon 210 of the RSPH1 protein (p.Lys210Asn). The lysine residue is moderately conserved and there is a moderate physicochemical difference between lysine and asparagine. This variant is not present in population databases (ExAC no frequency). This variant has not been reported in the literature in individuals with RSPH1-related conditions. Algorithms developed to predict the effect of missense changes on protein structure and function are either unavailable or do not agree on the potential impact of this missense change (SIFT: "Tolerated"; PolyPhen-2: "Possibly Damaging"; Align-GVGD: "Class C0"). In summary, the available evidence is currently insufficient to determine the role of this variant in disease. Therefore, it has been classified as a Variant of Uncertain Significance.

NM_080860.4(RSPH1):c.630A>C (p.Lys210Asn)

Gene: RSPH1 (radial spoke head component 1; minus strand). Cytogenetic location: 21q22.3.
Variant type: single nucleotide variant.
Coding change: c.630A>C on transcript NM_080860.4 (MANE Select); coding-DNA position 630, A replaced by C.
Protein change: p.Lys210Asn; replaces lysine 210 with asparagine.
Molecular consequence: missense variant.
Genome position (GRCh38, 1-based): chr21:42,477,388, T>G on the plus strand (A>C on the coding strand, the complement: RSPH1 is on the minus strand). VCF-style: chr21-42477388-T-G. GRCh37 (hg19) VCF-style: chr21-43897498-T-G.
Other names: c.516A>C, p.Lys172Asn (NM_001286506.2); short protein forms K172N, K210N.
Identifiers: ClinVar variation 857699 (VCV000857699.40), dbSNP rs2054078912, ClinGen allele CA410363575.